The following is an entry in ClinVar:

ClinVar aggregate classification (germline): Pathogenic (1 of 4 stars; one submission).

Conditions:
X-linked mixed hearing loss with perilymphatic gusher. Also called: Deafness, X-linked 2; NANCE DEAFNESS; PERILYMPHATIC GUSHER-DEAFNESS SYNDROME; SENSORINEURAL DEAFNESS, PROFOUND, WITH OR WITHOUT A CONDUCTIVE COMPONENT, ASSOCIATED WITH A UNIQUE DEVELOPMENTAL ABNORMALITY OF THE EAR; Gusher syndrome. Identifiers: Orphanet 383, MedGen C1844678, MONDO:0010576, OMIM 304400.

Submission:

Institute of Rare Diseases, West China Hospital, Sichuan University
Classification: Pathogenic for X-linked mixed hearing loss with perilymphatic gusher. Last evaluated: 2025-01-09. Review status: criteria provided, single submitter. Criteria: ClinGen HL ACMG Specifications v1. Collection method: research. Allele origin: germline. Affected: yes.
Comment: PM1;PVS1;PM2_Supporting

NM_000307.5(POU3F4):c.935del (p.Ala312fs)

Gene: POU3F4 (POU class 3 homeobox 4; plus strand). Cytogenetic location: Xq21.1.
Variant type: Deletion.
Coding change: c.935del on transcript NM_000307.5 (MANE Select); coding-DNA position 935, one base deleted (C; older notation c.935delC).
Protein change: p.Ala312fs; shifts the reading frame from alanine 312.
Molecular consequence: frameshift variant.
Genome position (GRCh38, 1-based): chrX:83,509,259, C deleted. VCF-style (leftmost placement, unchanged base first): chrX-83509258-GC-G. GRCh37 (hg19) VCF-style: chrX-82764266-GC-G.
Other names: short protein forms A312fs.
Identifiers: ClinVar variation 3601686 (VCV003601686.1).